The following is an entry in ClinVar:

ClinVar aggregate classification (germline): Uncertain significance (1 of 4 stars; one submission).

Conditions:
Jeune thoracic dystrophy. Also called: Jeune syndrome; Infantile thoracic dystrophy; Thoracic pelvic phalangeal dystrophy; Jeune's syndrome; Chondroectodermal dysplasia-like syndrome; Short-rib thoracic dysplasia. Identifiers: Orphanet 474, MedGen C0265275, MONDO:0018770.

gnomAD v4.1: 1 of 1,613,306 alleles (0.000062%); highest among the groups gnomAD compares: Admixed American, 0.0017%; no homozygotes.

Submission:

Labcorp Genetics (formerly Invitae), Labcorp
Classification: Uncertain significance for Jeune thoracic dystrophy. Last evaluated: 2022-07-09. Review status: criteria provided, single submitter. Criteria: Invitae Variant Classification Sherloc (09022015). Collection method: clinical testing. Allele origin: germline.
Comment: This sequence change replaces histidine, which is basic and polar, with tyrosine, which is neutral and polar, at codon 593 of the IFT80 protein (p.His593Tyr). This variant is not present in population databases (gnomAD no frequency). This variant has not been reported in the literature in individuals affected with IFT80-related conditions. Algorithms developed to predict the effect of missense changes on protein structure and function are either unavailable or do not agree on the potential impact of this missense change (SIFT: "Tolerated"; PolyPhen-2: "Probably Damaging"; Align-GVGD: "Class C0"). In summary, the available evidence is currently insufficient to determine the role of this variant in disease. Therefore, it has been classified as a Variant of Uncertain Significance.

NM_020800.3(IFT80):c.1777C>T (p.His593Tyr)

Genes: TRIM59-IFT80 (TRIM59-IFT80 readthrough (NMD candidate); minus strand), IFT80 (intraflagellar transport 80; minus strand). Cytogenetic location: 3q25.33.
Variant type: single nucleotide variant.
Coding change: c.1777C>T on transcript NM_020800.3 (MANE Select); coding-DNA position 1777, C replaced by T.
Protein change: p.His593Tyr; replaces histidine 593 with tyrosine.
Molecular consequence: missense variant. On other transcripts: non-coding transcript variant (3).
Genome position (GRCh38, 1-based): chr3:160,279,252, G>A on the plus strand (C>T on the coding strand, the complement: IFT80 is on the minus strand). VCF-style: chr3-160279252-G-A. GRCh37 (hg19) VCF-style: chr3-159997040-G-A.
Other names: c.1366C>T, p.His456Tyr (NM_001190241.2, NM_001190242.2); short protein forms H593Y, H456Y.
Identifiers: ClinVar variation 2015479 (VCV002015479.4), dbSNP rs1714501551, ClinGen allele CA355190859.